The following is an entry in ClinVar:

NM_000709.4(BCKDHA):c.164del (p.Pro55fs)

Gene: BCKDHA (branched chain keto acid dehydrogenase E1 subunit alpha; plus strand). Cytogenetic location: 19q13.2.
Variant type: Deletion.
Coding change: c.164del on transcript NM_000709.4 (MANE Select); coding-DNA position 164, one base deleted (C; older notation c.164delC).
Protein change: p.Pro55fs; shifts the reading frame from proline 55.
Molecular consequence: frameshift variant.
Genome position (GRCh38, 1-based): chr19:41,410,692, C deleted; the last of 3 consecutive C bases (chr19:41,410,690-41,410,692); deleting any one gives the same sequence. VCF-style (leftmost placement, unchanged base first): chr19-41410689-TC-T. GRCh37 (hg19) VCF-style: chr19-41916594-TC-T.
Other names: c.164del, p.Pro55fs (NM_001164783.2); short protein forms P55fs.
Identifiers: ClinVar variation 2680123 (VCV002680123.4), dbSNP rs2039242108, ClinGen allele CA2336453779.

ClinVar aggregate classification (germline): Pathogenic/Likely pathogenic. Review status: criteria provided, multiple submitters, no conflicts (2 of 4 stars). 4 submissions from 4 submitters: Pathogenic (2); Likely pathogenic (2). Last evaluated 2026-03-13.

Conditions:
Maple syrup urine disease (MSUD). Identifiers: Orphanet 511, MedGen C0024776, MeSH D008375, MONDO:0009563. Disease mechanism: loss of function.
Maple syrup urine disease type 1A (MSUD1A). Also called: MSUD type 1A. Identifiers: MedGen C1855369, MONDO:0023691, OMIM 248600.

Submissions (4):

Myriad Genetics, Inc.
Classification: Pathogenic for Maple syrup urine disease type 1A. Last evaluated: 2026-03-13. Review status: criteria provided, single submitter. Criteria: Myriad Autosomal Dominant, Autosomal Recessive and X-Linked Classification Criteria (2023). Collection method: clinical testing. Allele origin: unknown.
Comment: NM_000709.3(BCKDHA):c.164delC(P55Qfs*8) is expected to be pathogenic in the context of maple syrup urine disease type Ia. This variant is predicted to lead to an abnormal or absent protein product due to the creation of a premature termination codon in BCKDHA, a gene where loss-of-function variants are known to be pathogenic. Please note: this variant was assessed in the context of healthy population screening.

Labcorp Genetics (formerly Invitae), Labcorp
Classification: Pathogenic for Maple syrup urine disease. Last evaluated: 2025-12-13. Review status: criteria provided, single submitter. Criteria: Invitae Variant Classification Sherloc (09022015). Collection method: clinical testing. Allele origin: germline.
Comment: This sequence change creates a premature translational stop signal (p.Pro55Glnfs*8) in the BCKDHA gene. It is expected to result in an absent or disrupted protein product. Loss-of-function variants in BCKDHA are known to be pathogenic (PMID: 16786533, 22593002). This variant is not present in population databases (gnomAD no frequency). This variant has not been reported in the literature in individuals affected with BCKDHA-related conditions. ClinVar contains an entry for this variant (Variation ID: 2680123). For these reasons, this variant has been classified as Pathogenic.

Fulgent Genetics
Classification: Likely pathogenic for Maple syrup urine disease type 1A. Last evaluated: 2024-02-23. Review status: criteria provided, single submitter. Criteria: ACMG Guidelines, 2015. Collection method: clinical testing. Allele origin: germline.

Baylor Genetics
Classification: Likely pathogenic for Maple syrup urine disease type 1A. Last evaluated: 2023-02-14. Review status: criteria provided, single submitter. Criteria: ACMG Guidelines, 2015. Collection method: clinical testing. Allele origin: unknown.

Literature cited by the submitters: PubMed 16786533 (cited by Labcorp Genetics (formerly Invitae), Labcorp); PubMed 22593002 (cited by Labcorp Genetics (formerly Invitae), Labcorp).